The following is an entry in ClinVar:

NM_001943.5(DSG2):c.3342_3344del (p.Gln1114del)

Genes: DSG2 (desmoglein 2; plus strand), DSG2-AS1 (DSG2 antisense RNA 1; minus strand). Cytogenetic location: 18q12.1.
Variant type: Deletion.
Coding change: c.3342_3344del on transcript NM_001943.5 (MANE Select); coding-DNA positions 3342 to 3344, 3 bases deleted (GCA; older notation c.3342_3344delGCA).
Protein change: p.Gln1114del; deletes glutamine 1114.
Molecular consequence: inframe deletion.
Genome position (GRCh38, 1-based): chr18:31,546,728-31,546,730, GCA deleted; deleting any 3 consecutive bases within chr18:31,546,726-31,546,730 gives the same sequence; the c. name uses the placement nearest the transcript's 3' end. VCF-style (leftmost placement, unchanged base first): chr18-31546725-ACAG-A. GRCh37 (hg19) VCF-style: chr18-29126688-ACAG-A.
Other names: short protein forms Q1114del.
Identifiers: ClinVar variation 1171493 (VCV001171493.2), dbSNP rs1203247330, ClinGen allele CA2499225130.

ClinVar aggregate classification (germline): Uncertain significance (1 of 4 stars; one submission).

Conditions:
Cardiomyopathy (CMYO). Also called: Cardiomyopathies. Identifiers: Orphanet 167848, MedGen C0878544, MONDO:0004994, HP:0001638. Inheritance: Various modes of inheritance.

Submission:

Color Diagnostics, LLC DBA Color Health
Classification: Uncertain significance for Cardiomyopathy. Last evaluated: 2021-02-01. Review status: criteria provided, single submitter. Criteria: ACMG Guidelines, 2015. Collection method: clinical testing. Allele origin: germline.
Comment: This variant causes a deletion of glutamine at codon 1114 in the DSG2 protein. Splice site prediction tools suggest that this variant may not impact RNA splicing. To our knowledge, functional studies have not been reported for this variant. This variant has not been reported in individuals affected with cardiovascular disorders in the literature. This variant has not been identified in the general population by the Genome Aggregation Database (gnomAD). The available evidence is insufficient to determine the role of this variant in disease conclusively. Therefore, this variant is classified as a Variant of Uncertain Significance.